The following is an entry in ClinVar:

NM_016507.4(CDK12):c.1245G>A (p.Met415Ile)

Gene: CDK12 (cyclin dependent kinase 12; plus strand). Cytogenetic location: 17q12.
Variant type: single nucleotide variant.
Coding change: c.1245G>A on transcript NM_016507.4 (MANE Select); coding-DNA position 1245, G replaced by A.
Protein change: p.Met415Ile; replaces methionine 415 with isoleucine.
Molecular consequence: missense variant.
Genome position (GRCh38, 1-based): chr17:39,471,077, G>A. VCF-style: chr17-39471077-G-A. GRCh37 (hg19) VCF-style: chr17-37627330-G-A.
Other names: c.1245G>A, p.Met415Ile (NM_015083.4); short protein forms M415I.
Identifiers: ClinVar variation 4651429 (VCV004651429.1).

ClinVar aggregate classification (germline): Uncertain significance (1 of 4 stars; one submission).

gnomAD v4.1: 5 of 1,613,598 alleles (0.00031%); highest among the groups gnomAD compares: Non-Finnish European, 0.00042%; no homozygotes.

Submission:

Ambry Genetics
Classification: Uncertain significance. Last evaluated: 2025-11-04. Review status: criteria provided, single submitter. Criteria: Ambry Variant Classification Scheme 2023. Collection method: clinical testing. Allele origin: germline.
Comment: The p.M415I variant (also known as c.1245G>A), located in coding exon 2 of the CDK12 gene, results from a G to A substitution at nucleotide position 1245. The methionine at codon 415 is replaced by isoleucine, an amino acid with highly similar properties. This amino acid position is conserved. In addition, this alteration is predicted to be tolerated by in silico analysis. Based on the available evidence, the clinical significance of this variant remains unclear.